The following is an entry in ClinVar:

NC_000002.11:g.(?_26414109)_(26462021_?)del

Gene: HADHA (hydroxyacyl-CoA dehydrogenase trifunctional multienzyme complex subunit alpha; minus strand). Cytogenetic location: 2p23.3.
Variant type: Deletion.
Identifiers: ClinVar variation 661736 (VCV000661736.1).

ClinVar aggregate classification (germline): Pathogenic (1 of 4 stars; one submission).

Conditions:
Mitochondrial trifunctional protein deficiency. Identifiers: Orphanet 746, MedGen C1969443, MONDO:0012172.
Long chain 3-hydroxyacyl-CoA dehydrogenase deficiency. Also called: Deficiency of long-chain 3-hydroxyacyl-coenzyme A dehydrogenase; LCHAD Deficiency. Identifiers: Orphanet 5, MedGen C3711645, MONDO:0012173, OMIM 609016.

Submission:

Labcorp Genetics (formerly Invitae), Labcorp
Classification: Pathogenic for Mitochondrial trifunctional protein deficiency; Long chain 3-hydroxyacyl-CoA dehydrogenase deficiency. Last evaluated: 2018-08-06. Review status: criteria provided, single submitter. Criteria: Invitae Variant Classification Sherloc (09022015). Collection method: clinical testing. Allele origin: germline.
Comment: This variant is a gross deletion of the genomic region encompassing exons 2-20 of the HADHA gene. The 5' boundary is likely confined to intron 1. The 3' end of this event is unknown as it extends through the termination codon beyond the assayed region for this gene and may encompass additional genes. While this deletion is not anticipated to result in nonsense mediated decay, it is expected to create a truncated protein product or disrupt mRNA translation. This variant has not been reported in the literature in individuals with HADHA-related disease. A sub-genic deletion of exon 14 has been observed as homozyous in an individual affected with long-chain 3-hydroxyacyl-CoA dehydrogenase deficiencyÂ¬â€ (PMID:Â¬â€ 26109258). For these reasons, this variant has been classified as Pathogenic.